The following is an entry in ClinVar:

NM_000138.5(FBN1):c.1944T>C (p.Asp648=)

Gene: FBN1 (fibrillin 1; minus strand). Cytogenetic location: 15q21.1.
Variant type: single nucleotide variant.
Coding change: c.1944T>C on transcript NM_000138.5 (MANE Select); coding-DNA position 1944, T replaced by C.
Protein change: p.Asp648=; no amino-acid change (aspartic acid 648 retained).
Molecular consequence: synonymous variant.
Genome position (GRCh38, 1-based): chr15:48,505,041, A>G on the plus strand (T>C on the coding strand, the complement: FBN1 is on the minus strand). VCF-style: chr15-48505041-A-G. GRCh37 (hg19) VCF-style: chr15-48797238-A-G.
Other names: c.1944T>C, p.Asp648= (NM_001406716.1).
Identifiers: ClinVar variation 3073033 (VCV003073033.1), dbSNP rs2141317175, ClinGen allele CA490025510.
Genomic context (GRCh38, chr15:48,505,041, plus strand): 5'-GAGGCTGAACCTCTCTCATAAGGTTAGCCATGATGTTTTCTTACCAACACACACACGGCC[A>G]TCCAGACCCACAGCCAGTCCAGGGAAGCATTCACATCTGTAGGAGCCATCAGTGTTGACG-3'
Protein context (NP_000129.3, residues 638-658): ECFPGLAVGL[Asp648=]GRVCVDTHMR

ClinVar aggregate classification (germline): Likely benign (1 of 4 stars; one submission).

Conditions:
Marfan syndrome (MFS). Also called: MARFAN SYNDROME, TYPE I; Marfan syndrome type 1; Marfan's syndrome; Marfan syndrome, classic; FBN1-Related Marfan Syndrome. Identifiers: Orphanet 284963, Orphanet 558, MedGen C0024796, MONDO:0007947, OMIM 154700.

Allele frequency attached by ClinVar (database versions not stated): gnomAD exomes below 0.00001.
gnomAD v4.1: 1 of 1,614,166 alleles (0.000062%); highest among the groups gnomAD compares: Non-Finnish European, 0.000085%; no homozygotes.

Submission:

All of Us Research Program, National Institutes of Health
Classification: Likely benign for Marfan syndrome. Last evaluated: 2023-08-15. Review status: criteria provided, single submitter. Criteria: ACMG Guidelines, 2015. Collection method: clinical testing. Allele origin: germline. Inheritance: Autosomal dominant inheritance. Observed: 1 variant allele, 1 heterozygote.
Comment: This study involves interpretation of variants in research participants for the purpose of population health screening. Participant phenotype was not available at the time of variant classification. Additional details can be found in publication PMID: 35346344, PMCID: PMC8962531